The following is an entry in ClinVar:

ClinVar aggregate classification (germline): Uncertain significance (1 of 4 stars; one submission).

Conditions:
Ullrich congenital muscular dystrophy 2 (UCMD2). Identifiers: Orphanet 75840, MedGen C4225314, MONDO:0014654, OMIM 616470.
Bethlem myopathy 2 (BTHLM2). Identifiers: Orphanet 536516, Orphanet 610, MedGen C4225313, MONDO:0034022, OMIM 616471.

Allele frequency attached by ClinVar (database versions not stated): gnomAD 0.00001.
gnomAD v4.1: 2 of 1,614,052 alleles (0.00012%); highest among the groups gnomAD compares: East Asian, 0.0022%; no homozygotes.

Submission:

Labcorp Genetics (formerly Invitae), Labcorp
Classification: Uncertain significance for Bethlem myopathy 2; Ullrich congenital muscular dystrophy 2. Last evaluated: 2025-04-03. Review status: criteria provided, single submitter. Criteria: Invitae Variant Classification Sherloc (09022015). Collection method: clinical testing. Allele origin: germline.
Comment: This sequence change replaces lysine, which is basic and polar, with asparagine, which is neutral and polar, at codon 874 of the COL12A1 protein (p.Lys874Asn). This variant is present in population databases (no rsID available, gnomAD 0.06%). This variant has not been reported in the literature in individuals affected with COL12A1-related conditions. ClinVar contains an entry for this variant (Variation ID: 2933122). Invitae Evidence Modeling of protein sequence and biophysical properties (such as structural, functional, and spatial information, amino acid conservation, physicochemical variation, residue mobility, and thermodynamic stability) indicates that this missense variant is not expected to disrupt COL12A1 protein function with a negative predictive value of 80%. In summary, the available evidence is currently insufficient to determine the role of this variant in disease. Therefore, it has been classified as a Variant of Uncertain Significance.

NM_004370.6(COL12A1):c.2622G>C (p.Lys874Asn)

Gene: COL12A1 (collagen type XII alpha 1 chain; minus strand). Cytogenetic location: 6q13.
Variant type: single nucleotide variant.
Coding change: c.2622G>C on transcript NM_004370.6 (MANE Select); coding-DNA position 2622, G replaced by C.
Protein change: p.Lys874Asn; replaces lysine 874 with asparagine.
Molecular consequence: missense variant. On other transcripts: intron variant (3).
Genome position (GRCh38, 1-based): chr6:75,175,126, C>G on the plus strand (G>C on the coding strand, the complement: COL12A1 is on the minus strand). VCF-style: chr6-75175126-C-G. GRCh37 (hg19) VCF-style: chr6-75884842-C-G.
Other names: c.2622G>C, p.Lys874Asn (NM_001424113.1, NM_001424114.1); c.74-22644G>C (NM_001424116.1, NM_080645.3); c.2437+2537G>C (NM_001424115.1); short protein forms K874N.
Identifiers: ClinVar variation 2933122 (VCV002933122.3), dbSNP rs1478506573, ClinGen allele CA364761555.
Genomic context (GRCh38, chr6:75,175,126, plus strand): 5'-GGCGTCTCCAGCCCCAGACGCATACAAGGCTGTCACAGATAAGGCGTATTGTGTCCCTTC[C>G]TTCAATCCCTGCAGCACCGTATTGGTTGTATCTCCCCTCACAGTGACCTCTTGAGTTTCA-3'
Protein context (NP_004361.3, residues 864-884): DTTNTVLQGL[Lys874Asn]EGTQYALSVT